The following is an entry in ClinVar:

ClinVar aggregate classification (germline): Uncertain significance (1 of 4 stars; one submission).

Conditions:
Inborn genetic diseases. Identifiers: MedGen C0950123, MeSH D030342.

Allele frequency attached by ClinVar (database versions not stated): gnomAD exomes below 0.00001.
gnomAD v4.1: 1 of 1,614,138 alleles (0.000062%); highest among the groups gnomAD compares: Non-Finnish European, 0.000085%; no homozygotes.

Submission:

Ambry Genetics
Classification: Uncertain significance for Inborn genetic diseases. Last evaluated: 2023-11-16. Review status: criteria provided, single submitter. Criteria: Ambry Variant Classification Scheme 2023. Collection method: clinical testing. Allele origin: germline.
Comment: The p.A511T variant (also known as c.1531G>A), located in coding exon 11 of the EPAS1 gene, results from a G to A substitution at nucleotide position 1531. The alanine at codon 511 is replaced by threonine, an amino acid with similar properties. This amino acid position is conserved. In addition, this alteration is predicted to be tolerated by in silico analysis. Since supporting evidence is limited at this time, the clinical significance of this alteration remains unclear.

NM_001430.5(EPAS1):c.1531G>A (p.Ala511Thr)

Gene: EPAS1 (endothelial PAS domain protein 1; plus strand). Cytogenetic location: 2p21.
Variant type: single nucleotide variant.
Coding change: c.1531G>A on transcript NM_001430.5 (MANE Select); coding-DNA position 1531, G replaced by A.
Protein change: p.Ala511Thr; replaces alanine 511 with threonine.
Molecular consequence: missense variant.
Genome position (GRCh38, 1-based): chr2:46,378,744, G>A. VCF-style: chr2-46378744-G-A. GRCh37 (hg19) VCF-style: chr2-46605883-G-A.
Other names: short protein forms A511T.
Identifiers: ClinVar variation 1774642 (VCV001774642.2), dbSNP rs2546474661, ClinGen allele CA346704308.